The following is an entry in ClinVar:

ClinVar aggregate classification (germline): Likely benign (1 of 4 stars; one submission).

Allele frequency attached by ClinVar (database versions not stated): gnomAD 0.00004; TOPMed 0.00002; gnomAD exomes 0.00005; ExAC 0.00010.
gnomAD v4.1: 58 of 1,569,964 alleles (0.0037%); highest among the groups gnomAD compares: East Asian, 0.026%; no homozygotes.

Submission:

GeneDx
Classification: Likely benign. Last evaluated: 2016-05-16. Review status: criteria provided, single submitter. Criteria: GeneDx Variant Classification (06012015). Collection method: clinical testing. Allele origin: germline. Affected: yes.
Comment: This variant is considered likely benign or benign based on one or more of the following criteria: it is a conservative change, it occurs at a poorly conserved position in the protein, it is predicted to be benign by multiple in silico algorithms, and/or has population frequency not consistent with disease.

NM_000942.5(PPIB):c.-25G>C

Gene: PPIB (peptidylprolyl isomerase B; minus strand). Cytogenetic location: 15q22.31.
Variant type: single nucleotide variant.
Coding change: c.-25G>C on transcript NM_000942.5 (MANE Select); 25 bases upstream of the start codon, G replaced by C.
Molecular consequence: 5 prime UTR variant.
Genome position (GRCh38, 1-based): chr15:64,163,011, C>G on the plus strand (G>C on the coding strand, the complement: PPIB is on the minus strand). VCF-style: chr15-64163011-C-G. GRCh37 (hg19) VCF-style: chr15-64455210-C-G.
Identifiers: ClinVar variation 386236 (VCV000386236.1), dbSNP rs772067068, ClinGen allele CA7608655.